The following is an entry in ClinVar:

ClinVar aggregate classification (germline): Uncertain significance (1 of 4 stars; one submission).

Conditions:
Cardiovascular phenotype. Identifiers: MedGen CN230736.
Hereditary cancer-predisposing syndrome. Also called: Neoplastic Syndromes, Hereditary; Tumor predisposition; Hereditary Cancer Syndrome; Hereditary neoplastic syndrome. Identifiers: Orphanet 140162, MedGen C0027672, MeSH D009386, MONDO:0015356.

Allele frequency attached by ClinVar (database versions not stated): gnomAD exomes below 0.00001.
gnomAD v4.1: 2 of 1,614,144 alleles (0.00012%); highest among the groups gnomAD compares: Non-Finnish European, 0.00017%; no homozygotes.

Submission:

Ambry Genetics
Classification: Uncertain significance for Cardiovascular phenotype; Hereditary cancer-predisposing syndrome. Last evaluated: 2025-05-02. Review status: criteria provided, single submitter. Criteria: Ambry Variant Classification Scheme 2023. Collection method: clinical testing. Allele origin: germline.
Comment: The p.D2305H variant (also known as c.6913G>C), located in coding exon 46 of the NF1 gene, results from a G to C substitution at nucleotide position 6913. The aspartic acid at codon 2305 is replaced by histidine, an amino acid with similar properties. This amino acid position is highly conserved in available vertebrate species. In addition, the in silico prediction for this alteration is inconclusive. Since supporting evidence is limited at this time, the clinical significance of this alteration remains unclear.

NM_001042492.3(NF1):c.6976G>C (p.Asp2326His)

Gene: NF1 (neurofibromin 1; plus strand). Cytogenetic location: 17q11.2.
Variant type: single nucleotide variant.
Coding change: c.6976G>C on transcript NM_001042492.3 (MANE Select); coding-DNA position 6976, G replaced by C.
Protein change: p.Asp2326His; replaces aspartic acid 2326 with histidine.
Molecular consequence: missense variant.
Genome position (GRCh38, 1-based): chr17:31,340,559, G>C. VCF-style: chr17-31340559-G-C. GRCh37 (hg19) VCF-style: chr17-29667577-G-C.
Other names: c.6913G>C, p.Asp2305His (NM_000267.4); short protein forms D2305H, D2326H.
Identifiers: ClinVar variation 1756139 (VCV001756139.3), dbSNP rs1374858930, ClinGen allele CA399014953.
Genomic context (GRCh38, chr17:31,340,559, plus strand): 5'-TGCCAGGACTCGCCTCTGCACAAAGCCCTCTTTTGGGTAGCTGTGGCTGTGCTGCAGCTT[G>C]ATGAGGTCAACTTGTATTCAGCAGGTACCGCACTTCTTGAACAAAACCTGCATACTTTAG-3'
Protein context (NP_001035957.1, residues 2316-2336): FWVAVAVLQL[Asp2326His]EVNLYSAGTA